The following is an entry in ClinVar:

NM_006415.4(SPTLC1):c.1172C>A (p.Ser391Tyr)

Gene: SPTLC1 (serine palmitoyltransferase long chain base subunit 1; minus strand). Cytogenetic location: 9q22.31.
Variant type: single nucleotide variant.
Coding change: c.1172C>A on transcript NM_006415.4 (MANE Select); coding-DNA position 1172, C replaced by A.
Protein change: p.Ser391Tyr; replaces serine 391 with tyrosine.
Molecular consequence: missense variant.
Genome position (GRCh38, 1-based): chr9:92,038,330, G>T on the plus strand (C>A on the coding strand, the complement: SPTLC1 is on the minus strand). VCF-style: chr9-92038330-G-T. GRCh37 (hg19) VCF-style: chr9-94800612-G-T.
Other names: c.1172C>A, p.Ser391Tyr (NM_001281303.2); c.806C>A, p.Ser269Tyr (NM_001368272.1); c.707C>A, p.Ser236Tyr (NM_001368273.1); short protein forms S269Y, S236Y, S391Y.
Identifiers: ClinVar variation 4763333 (VCV004763333.1).

ClinVar aggregate classification (germline): Uncertain significance (1 of 4 stars; one submission).

Conditions:
Hereditary sensory and autonomic neuropathy type 1 (HSAN1). Also called: HSAN 1; HSN Type I; Hereditary Sensory Neuropathy Type I. Identifiers: Orphanet 36386, MedGen C0020071, MONDO:0018213.

Submission:

Labcorp Genetics (formerly Invitae), Labcorp
Classification: Uncertain significance for Hereditary sensory and autonomic neuropathy type 1. Last evaluated: 2025-10-23. Review status: criteria provided, single submitter. Criteria: Invitae Variant Classification Sherloc (09022015). Collection method: clinical testing. Allele origin: germline.
Comment: This sequence change replaces serine, which is neutral and polar, with tyrosine, which is neutral and polar, at codon 391 of the SPTLC1 protein (p.Ser391Tyr). This variant is not present in population databases (gnomAD no frequency). This variant has not been reported in the literature in individuals affected with SPTLC1-related conditions. Invitae Evidence Modeling of protein sequence and biophysical properties (such as structural, functional, and spatial information, amino acid conservation, physicochemical variation, residue mobility, and thermodynamic stability) indicates that this missense variant is expected to disrupt SPTLC1 protein function with a positive predictive value of 80%. In summary, the available evidence is currently insufficient to determine the role of this variant in disease. Therefore, it has been classified as a Variant of Uncertain Significance.